The following is an entry in ClinVar:

NM_000138.5(FBN1):c.3464A>T (p.Asp1155Val)

Gene: FBN1 (fibrillin 1; minus strand). Cytogenetic location: 15q21.1.
Variant type: single nucleotide variant.
Coding change: c.3464A>T on transcript NM_000138.5 (MANE Select); coding-DNA position 3464, A replaced by T.
Protein change: p.Asp1155Val; replaces aspartic acid 1155 with valine.
Molecular consequence: missense variant.
Genome position (GRCh38, 1-based): chr15:48,487,200, T>A on the plus strand (A>T on the coding strand, the complement: FBN1 is on the minus strand). VCF-style: chr15-48487200-T-A. GRCh37 (hg19) VCF-style: chr15-48779397-T-A.
Other names: c.3464A>T, p.Asp1155Val (NM_001406716.1); short protein forms D1155V.
Identifiers: ClinVar variation 2032122 (VCV002032122.4), dbSNP rs2141293332, ClinGen allele CA392326036.

ClinVar aggregate classification (germline): Likely pathogenic (1 of 4 stars; one submission).

Conditions:
Familial thoracic aortic aneurysm and aortic dissection (TAAD). Also called: Thoracic aortic aneurysms and dissections. Identifiers: Orphanet 91387, MedGen C4707243, MONDO:0019625.
Marfan syndrome (MFS). Also called: MARFAN SYNDROME, TYPE I; Marfan syndrome type 1; Marfan's syndrome; Marfan syndrome, classic; FBN1-Related Marfan Syndrome. Identifiers: Orphanet 284963, Orphanet 558, MedGen C0024796, MONDO:0007947, OMIM 154700.

Allele frequency attached by ClinVar (database versions not stated): gnomAD exomes below 0.00001.
gnomAD v4.1: 1 of 1,614,142 alleles (0.000062%); highest among the groups gnomAD compares: Non-Finnish European, 0.000085%; no homozygotes.

Submission:

Labcorp Genetics (formerly Invitae), Labcorp
Classification: Likely pathogenic for Marfan syndrome; Familial thoracic aortic aneurysm and aortic dissection. Last evaluated: 2022-09-23. Review status: criteria provided, single submitter. Criteria: Invitae Variant Classification Sherloc (09022015). Collection method: clinical testing. Allele origin: germline.
Comment: In summary, the currently available evidence indicates that the variant is pathogenic, but additional data are needed to prove that conclusively. Therefore, this variant has been classified as Likely Pathogenic. This variant disrupts the p.Asp1155 amino acid residue in FBN1. Other variant(s) that disrupt this residue have been determined to be pathogenic (PMID: 20886638, 22736615; Invitae). This suggests that this residue is clinically significant, and that variants that disrupt this residue are likely to be disease-causing. Algorithms developed to predict the effect of missense changes on protein structure and function (SIFT, PolyPhen-2, Align-GVGD) all suggest that this variant is likely to be disruptive. This missense change has been observed in individual(s) with FBN1-related conditions (Invitae). This variant is not present in population databases (gnomAD no frequency). This sequence change replaces aspartic acid, which is acidic and polar, with valine, which is neutral and non-polar, at codon 1155 of the FBN1 protein (p.Asp1155Val).

Literature cited by the submitters: PubMed 20886638; PubMed 22736615.